The following is an entry in ClinVar:

ClinVar aggregate classification (germline): Uncertain significance (1 of 4 stars; one submission).

Conditions:
Dystonia 12 (DYT12). Also called: Rapid-Onset Dystonia-Parkinsonism (RDP); DYT-ATP1A3. Identifiers: Orphanet 71517, MedGen C1868681, MONDO:0007496, OMIM 128235.

Allele frequency attached by ClinVar (database versions not stated): gnomAD exomes 0.00001; ExAC 0.00002; TOPMed 0.00003; ESP Exome Variant Server 0.00008.
gnomAD v4.1: 7 of 1,613,906 alleles (0.00043%); highest among the groups gnomAD compares: African/African-American, 0.008%; no homozygotes.

Submission:

Labcorp Genetics (formerly Invitae), Labcorp
Classification: Uncertain significance for Dystonia 12. Last evaluated: 2026-01-13. Review status: criteria provided, single submitter. Criteria: Invitae Variant Classification Sherloc (09022015). Collection method: clinical testing. Allele origin: germline.
Comment: This sequence change replaces aspartic acid, which is acidic and polar, with glutamic acid, which is acidic and polar, at codon 521 of the ATP1A3 protein (p.Asp521Glu). This variant is present in population databases (rs368551273, gnomAD 0.01%). This variant has not been reported in the literature in individuals affected with ATP1A3-related conditions. ClinVar contains an entry for this variant (Variation ID: 662816). Invitae Evidence Modeling of protein sequence and biophysical properties (such as structural, functional, and spatial information, amino acid conservation, physicochemical variation, residue mobility, and thermodynamic stability) has been performed for this missense variant. However, the output from this modeling did not meet the statistical confidence thresholds required to predict the impact of this variant on ATP1A3 protein function. In summary, the available evidence is currently insufficient to determine the role of this variant in disease. Therefore, it has been classified as a Variant of Uncertain Significance.

NM_152296.5(ATP1A3):c.1563C>A (p.Asp521Glu)

Gene: ATP1A3 (ATPase Na+/K+ transporting subunit alpha 3; minus strand). Cytogenetic location: 19q13.2.
Variant type: single nucleotide variant.
Coding change: c.1563C>A on transcript NM_152296.5 (MANE Select); coding-DNA position 1563, C replaced by A.
Protein change: p.Asp521Glu; replaces aspartic acid 521 with glutamic acid.
Molecular consequence: missense variant.
Genome position (GRCh38, 1-based): chr19:41,978,673, G>T on the plus strand (C>A on the coding strand, the complement: ATP1A3 is on the minus strand). VCF-style: chr19-41978673-G-T. GRCh37 (hg19) VCF-style: chr19-42482825-G-T.
Other names: c.1596C>A, p.Asp532Glu (NM_001256213.2); c.1602C>A, p.Asp534Glu (NM_001256214.2); short protein forms D532E, D534E, D521E.
Identifiers: ClinVar variation 662816 (VCV000662816.8), dbSNP rs368551273, ClinGen allele CA9467609.